The following is an entry in ClinVar:

NC_000001.10:g.(?_155581953)_(155880552_?)del

Genes: DAP3 (death associated protein 3; plus strand), GON4L (gon-4 like; minus strand), MSTO1 (misato mitochondrial distribution and morphology regulator 1; plus strand), RIT1 (Ras like without CAAX 1; minus strand), SYT11 (synaptotagmin 11; plus strand) and 1 more. Cytogenetic location: 1q22.
Variant type: Deletion.
Identifiers: ClinVar variation 2425657 (VCV002425657.3).

ClinVar aggregate classification (germline): Pathogenic. Review status: criteria provided, single submitter (1 of 4 stars). 2 submissions from 1 submitter: Pathogenic (1). 1 of the submissions does not count toward it. Last evaluated 2022-06-16.

Conditions:
Noonan syndrome 8 (NS8). Identifiers: Orphanet 648, MedGen C3809233, MONDO:0014143, OMIM 615355.

Submissions (2):

Labcorp Genetics (formerly Invitae), Labcorp
Classification: Pathogenic. Last evaluated: 2022-06-16. Review status: criteria provided, single submitter. Criteria: Invitae Variant Classification Sherloc (09022015). Collection method: clinical testing. Allele origin: germline.
Comment: This variant is a gross deletion of the genomic region encompassing exon(s) 8-14 of the MSTO1 gene. While this deletion is not anticipated to lead to nonsense mediated decay, it is expected to disrupt the C-terminus of the protein. This variant has not been reported in the literature in individuals affected with MSTO1-related conditions. This variant disrupts a region of the MSTO1 protein in which other variant(s) (p.Arg279His) have been determined to be pathogenic (PMID: 30684668, 31463572). This suggests that this is a clinically significant region of the protein, and that variants that disrupt it are likely to be disease-causing. For these reasons, this variant has been classified as Pathogenic.

Labcorp Genetics (formerly Invitae), Labcorp
Classification: Uncertain significance for Noonan syndrome 8. Last evaluated: 2022-06-16. Review status: flagged submission. Criteria: Invitae Variant Classification Sherloc (09022015). Collection method: clinical testing. Allele origin: germline. Not counted in ClinVar's aggregate classification.
Comment: A gross deletion of the genomic region encompassing the full coding sequence of the RIT1 gene has been identified. The current clinical and genetic evidence is not sufficient to establish whether loss-of-function variants in RIT1 cause disease. The boundaries of this event are unknown as they extend beyond the assayed region for this gene and therefore may encompass additional genes. This variant has not been reported in the literature in individuals affected with RIT1-related conditions. Experimental studies and prediction algorithms are not available or were not evaluated, and the functional significance of this variant is currently unknown. In summary, the available evidence is currently insufficient to determine the role of this variant in disease. Therefore, it has been classified as a Variant of Uncertain Significance.
ClinVar note: Reason: This record appears to be redundant with a more recent record from the same submitter.
ClinVar note: Notes: SCV003791566 appears to be redundant with SCV003795144.

Literature cited by the submitters: PubMed 30684668; PubMed 31463572.